The following is an entry in ClinVar:

NM_004380.3(CREBBP):c.6909G>A (p.Gln2303=)

Gene: CREBBP (CREB binding lysine acetyltransferase; minus strand). Cytogenetic location: 16p13.3.
Variant type: single nucleotide variant.
Coding change: c.6909G>A on transcript NM_004380.3 (MANE Select); coding-DNA position 6909, G replaced by A.
Protein change: p.Gln2303=; no amino-acid change (glutamine 2303 retained).
Molecular consequence: synonymous variant.
Genome position (GRCh38, 1-based): chr16:3,728,138, C>T on the plus strand (G>A on the coding strand, the complement: CREBBP is on the minus strand). VCF-style: chr16-3728138-C-T. GRCh37 (hg19) VCF-style: chr16-3778139-C-T.
Other names: c.6795G>A, p.Gln2265= (NM_001079846.1).
Identifiers: ClinVar variation 3055751 (VCV003055751.2), dbSNP rs1283163834, ClinGen allele CA493393049.

ClinVar aggregate classification (germline): Likely benign (0 of 4 stars; one submission).

Conditions:
CREBBP-related disorder. Also called: CREBBP-related disorders; CREBBP-related condition.

gnomAD v4.1: 2 of 1,614,124 alleles (0.00012%); highest among the groups gnomAD compares: Admixed American, 0.0017%; no homozygotes.

Submission:

PreventionGenetics, part of Exact Sciences
Classification: Likely benign for CREBBP-related condition. Last evaluated: 2022-01-03. Review status: no assertion criteria provided. Collection method: clinical testing. Allele origin: germline.
Comment: This variant is classified as likely benign based on ACMG/AMP sequence variant interpretation guidelines (Richards et al. 2015 PMID: 25741868, with internal and published modifications).